The following is an entry in ClinVar:

NM_000059.4(BRCA2):c.125_129del (p.Tyr42fs)

Gene: BRCA2 (BRCA2 DNA repair associated; plus strand). Cytogenetic location: 13q13.1.
Variant type: Deletion.
Coding change: c.125_129del on transcript NM_000059.4 (MANE Select); coding-DNA positions 125 to 129, 5 bases deleted (ATAAT; older notation c.125_129delATAAT).
Protein change: p.Tyr42fs; shifts the reading frame from tyrosine 42.
Molecular consequence: frameshift variant.
Genome position (GRCh38, 1-based): chr13:32,319,134-32,319,138, ATAAT deleted; deleting any 5 consecutive bases within chr13:32,319,133-32,319,138 gives the same sequence; the c. name uses the placement nearest the transcript's 3' end. VCF-style (leftmost placement, unchanged base first): chr13-32319132-CTATAA-C. GRCh37 (hg19) VCF-style: chr13-32893269-CTATAA-C.
Other names: short protein forms Y42fs.
Identifiers: ClinVar variation 3902584 (VCV003902584.1).

ClinVar aggregate classification (germline): Pathogenic (1 of 4 stars; one submission).

Conditions:
Hereditary breast ovarian cancer syndrome. Also called: Breast and ovarian cancer; Hereditary breast and/or ovarian cancer syndrome; BRCA1- and BRCA2-Associated Hereditary Breast and Ovarian Cancer; Hereditary breast and ovarian cancer; Hereditary breast and ovarian cancer syndrome; Hereditary breast and ovarian cancer syndrome (HBOC). Identifiers: Orphanet 145, MedGen C0677776, MeSH D061325, MONDO:0003582. Disease mechanism: loss of function.

Submission:

Women's Health and Genetics/Laboratory Corporation of America, LabCorp
Classification: Pathogenic for Hereditary breast ovarian cancer syndrome. Last evaluated: 2025-05-02. Review status: criteria provided, single submitter. Criteria: LabCorp Variant Classification Summary - May 2015. Collection method: clinical testing. Allele origin: germline.
Comment: Variant summary: BRCA2 c.125_129delATAAT (p.Tyr42PhefsX2) results in a premature termination codon, predicted to cause a truncation of the encoded protein or absence of the protein due to nonsense mediated decay, which are commonly known mechanisms for disease. The variant was absent in 251264 control chromosomes. To our knowledge, no occurrence of c.125_129delATAAT in individuals affected with Hereditary Breast And Ovarian Cancer Syndrome and no experimental evidence demonstrating its impact on protein function have been reported. No submitters have cited clinical-significance assessments for this variant to ClinVar. Based on the evidence outlined above, the variant was classified as pathogenic.